The following is an entry in ClinVar:

ClinVar aggregate classification (germline): Likely benign. Review status: criteria provided, multiple submitters, no conflicts (2 of 4 stars). 2 submissions from 2 submitters: Likely benign (2). Last evaluated 2025-02-28.

Allele frequency attached by ClinVar (database versions not stated): ExAC 0.00007; gnomAD 0.00001; gnomAD exomes 0.00005.
gnomAD v4.1: 50 of 1,613,932 alleles (0.0031%); highest among the groups gnomAD compares: South Asian, 0.055%; no homozygotes.

Submissions (2):

Labcorp Genetics (formerly Invitae), Labcorp
Classification: Likely benign. Last evaluated: 2025-02-28. Review status: criteria provided, single submitter. Criteria: Invitae Variant Classification Sherloc (09022015). Collection method: clinical testing. Allele origin: germline.

ARUP Laboratories, Molecular Genetics and Genomics, ARUP Laboratories
Classification: Likely benign. Last evaluated: 2018-06-22. Review status: criteria provided, single submitter. Criteria: ARUP Molecular Germline Variant Investigation Process. Collection method: clinical testing. Allele origin: germline.
Comment: The RP1 c.6210C>T; p.Asn2070Asn variant (rs767325122), to our knowledge, is not reported in the medical literature or in gene-specific databases. The variant is listed in the Genome Aggregation Database in 12 out of 245,764 alleles, indicating it is not a common polymorphism. This is a synonymous variant in a weakly conserved nucleotide, and computational analyses (Alamut v.2.11) predict that this variant does not alter splicing. Based on available information, this variant is considered to be likely benign.

NM_006269.2(RP1):c.6210C>T (p.Asn2070=)

Gene: RP1 (RP1 axonemal microtubule associated; plus strand). Cytogenetic location: 8q12.1.
Variant type: single nucleotide variant.
Coding change: c.6210C>T on transcript NM_006269.2 (MANE Select); coding-DNA position 6210, C replaced by T.
Protein change: p.Asn2070=; no amino-acid change (asparagine 2070 retained).
Molecular consequence: synonymous variant.
Genome position (GRCh38, 1-based): chr8:54,630,092, C>T. VCF-style: chr8-54630092-C-T. GRCh37 (hg19) VCF-style: chr8-55542652-C-T.
Identifiers: ClinVar variation 618348 (VCV000618348.12), dbSNP rs767325122, ClinGen allele CA4752208.